The following is an entry in ClinVar:

ClinVar aggregate classification (germline): Uncertain significance (1 of 4 stars; one submission).

Allele frequency attached by ClinVar (database versions not stated): gnomAD exomes below 0.00001; ExAC 0.00001; gnomAD 0.00001.
gnomAD v4.1: 4 of 1,613,846 alleles (0.00025%); highest among the groups gnomAD compares: Admixed American, 0.005%; no homozygotes.

Submission:

Labcorp Genetics (formerly Invitae), Labcorp
Classification: Uncertain significance. Last evaluated: 2022-10-14. Review status: criteria provided, single submitter. Criteria: Invitae Variant Classification Sherloc (09022015). Collection method: clinical testing. Allele origin: germline.
Comment: This variant is present in population databases (rs755151584, gnomAD 0.006%). In summary, the available evidence is currently insufficient to determine the role of this variant in disease. Therefore, it has been classified as a Variant of Uncertain Significance. Algorithms developed to predict the effect of missense changes on protein structure and function are either unavailable or do not agree on the potential impact of this missense change (SIFT: "Deleterious"; PolyPhen-2: "Not Available"; Align-GVGD: "Class C15"). This variant has not been reported in the literature in individuals affected with BDNF-related conditions. This sequence change replaces phenylalanine, which is neutral and non-polar, with tyrosine, which is neutral and polar, at codon 108 of the BDNF protein (p.Phe108Tyr).

NM_001709.5(BDNF):c.323T>A (p.Phe108Tyr)

Genes: BDNF (brain derived neurotrophic factor; minus strand), BDNF-AS (BDNF antisense RNA; plus strand). Cytogenetic location: 11p14.1.
Variant type: single nucleotide variant.
Coding change: c.323T>A on transcript NM_001709.5 (MANE Select); coding-DNA position 323, T replaced by A.
Protein change: p.Phe108Tyr; replaces phenylalanine 108 with tyrosine.
Molecular consequence: missense variant. On other transcripts: non-coding transcript variant (5).
Genome position (GRCh38, 1-based): chr11:27,658,242, A>T on the plus strand (T>A on the coding strand, the complement: BDNF is on the minus strand). VCF-style: chr11-27658242-A-T. GRCh37 (hg19) VCF-style: chr11-27679789-A-T.
Other names: c.323T>A, p.Phe108Tyr (NM_001143805.1, NM_001143806.1, NM_001143807.2 and 9 more transcripts); c.410T>A, p.Phe137Tyr (NM_001143809.2); c.569T>A, p.Phe190Tyr (NM_001143810.2); c.347T>A, p.Phe116Tyr (NM_170731.5); c.368T>A, p.Phe123Tyr (NM_170734.4); short protein forms F116Y, F123Y, F108Y, F137Y, F190Y.
Identifiers: ClinVar variation 1962512 (VCV001962512.5), dbSNP rs755151584, ClinGen allele CA5929108.